The following is an entry in ClinVar:

ClinVar aggregate classification (germline): Likely benign (1 of 4 stars; one submission).

Submission:

CeGaT Center for Human Genetics Tuebingen
Classification: Likely benign. Last evaluated: 2023-11-01. Review status: criteria provided, single submitter. Criteria: CeGaT Center For Human Genetics Tuebingen Variant Classification Criteria Version 2. Collection method: clinical testing. Allele origin: germline. Affected: yes. Observed: 1 variant allele.
Comment: CCT5: PM2:Supporting, BP4, BP7

NM_012073.5(CCT5):c.558T>G (p.Ala186=)

Gene: CCT5 (chaperonin containing TCP1 subunit 5; plus strand). Cytogenetic location: 5p15.2.
Variant type: single nucleotide variant.
Coding change: c.558T>G on transcript NM_012073.5 (MANE Select); coding-DNA position 558, T replaced by G.
Protein change: p.Ala186=; no amino-acid change (alanine 186 retained).
Molecular consequence: synonymous variant.
Genome position (GRCh38, 1-based): chr5:10,258,138, T>G. VCF-style: chr5-10258138-T-G. GRCh37 (hg19) VCF-style: chr5-10258250-T-G.
Other names: c.495T>G, p.Ala165= (NM_001306153.1); c.393T>G, p.Ala131= (NM_001306154.2); c.279T>G, p.Ala93= (NM_001306155.2); c.444T>G, p.Ala148= (NM_001306156.2).
Identifiers: ClinVar variation 2673005 (VCV002673005.23), dbSNP rs2477442676, ClinGen allele CA359182251.